The following is an entry in ClinVar:

NM_130837.3(OPA1):c.1626A>G (p.Glu542=)

Gene: OPA1 (OPA1 mitochondrial dynamin like GTPase; plus strand). Cytogenetic location: 3q29.
Variant type: single nucleotide variant.
Coding change: c.1626A>G on transcript NM_130837.3 (MANE Select); coding-DNA position 1626, A replaced by G.
Protein change: p.Glu542=; no amino-acid change (glutamic acid 542 retained).
Molecular consequence: synonymous variant.
Genome position (GRCh38, 1-based): chr3:193,645,570, A>G. VCF-style: chr3-193645570-A-G. GRCh37 (hg19) VCF-style: chr3-193363359-A-G.
Other names: c.1092A>G, p.Glu364= (NM_001354663.2); c.1089A>G, p.Glu363= (NM_001354664.2); c.1461A>G, p.Glu487= (NM_015560.3); c.1353A>G, p.Glu451= (NM_130831.3); c.1407A>G, p.Glu469= (NM_130832.3); c.1464A>G, p.Glu488= (NM_130833.3); c.1515A>G, p.Glu505= (NM_130834.3); c.1518A>G, p.Glu506= (NM_130835.3); and 1 more.
Identifiers: ClinVar variation 930477 (VCV000930477.7), dbSNP rs1734453026, ClinGen allele CA437437409.
Genomic context (GRCh38, chr3:193,645,570, plus strand): 5'-GTAAACTATATCTCACATTAATTTTTCCCACTTTTAAAAATAGATTCAGCAGATAATTGA[A>G]GGAAAGCTCTTCCCAATGAAAGCTTTAGGTTATTTTGCTGTTGTAACAGGAAAAGGTATG-3'
Protein context (NP_570850.2, residues 532-552): ASPSRIQQII[Glu542=]GKLFPMKALG

ClinVar aggregate classification (germline): Conflicting classifications of pathogenicity. Review status: criteria provided, conflicting classifications (1 of 4 stars). 2 submissions from 2 submitters: Uncertain significance (1); Likely benign (1). Last evaluated 2022-06-13.

Conditions:
Abortive cerebellar ataxia (BEHRS). Also called: Behr syndrome; OPTIC ATROPHY, INFANTILE HEREDITARY, WITH NEUROLOGIC ABNORMALITIES. Identifiers: Orphanet 1239, MedGen C0221061, MONDO:0008858, OMIM 210000.

Submissions (2):

Labcorp Genetics (formerly Invitae), Labcorp
Classification: Likely benign. Last evaluated: 2022-06-13. Review status: criteria provided, single submitter. Criteria: Invitae Variant Classification Sherloc (09022015). Collection method: clinical testing. Allele origin: germline.

Centre for Mendelian Genomics, University Medical Centre Ljubljana
Classification: Uncertain significance for Abortive cerebellar ataxia. Last evaluated: 2019-06-10. Review status: criteria provided, single submitter. Criteria: ACMG Guidelines, 2015. Collection method: clinical testing. Allele origin: unknown. Affected: yes.
Comment: This variant was classified as: Uncertain significance. The available evidence favors the pathogenic nature of this variant, however the currently available data is insufficient to conclusively support its pathogenic nature. Thus this variant is classified as Uncertain significance - favor pathogenic. The following ACMG criteria were applied in classifying this variant: PM2,PP3.